The following is an entry in ClinVar:

ClinVar aggregate classification (germline): Uncertain significance (1 of 4 stars; one submission).

Submission:

Labcorp Genetics (formerly Invitae), Labcorp
Classification: Uncertain significance. Last evaluated: 2025-05-05. Review status: criteria provided, single submitter. Criteria: Invitae Variant Classification Sherloc (09022015). Collection method: clinical testing. Allele origin: germline.
Comment: This sequence change creates a premature translational stop signal (p.Thr773Asnfs*20) in the KCNH1 gene. While this is not anticipated to result in nonsense mediated decay, it is expected to disrupt the last 217 amino acid(s) of the KCNH1 protein. This variant is not present in population databases (gnomAD no frequency). This variant has not been reported in the literature in individuals affected with KCNH1-related conditions. ClinVar contains an entry for this variant (Variation ID: 3648051). Experimental studies and prediction algorithms are not available or were not evaluated, and the functional significance of this variant is currently unknown. In summary, the available evidence is currently insufficient to determine the role of this variant in disease. Therefore, it has been classified as a Variant of Uncertain Significance.

NM_172362.3(KCNH1):c.2317dup (p.Thr773fs)

Gene: KCNH1 (potassium voltage-gated channel subfamily H member 1; minus strand). Cytogenetic location: 1q32.2.
Variant type: Duplication.
Coding change: c.2317dup on transcript NM_172362.3 (MANE Select); coding-DNA position 2317, one base duplicated (A; older notation c.2317dupA).
Protein change: p.Thr773fs; shifts the reading frame from threonine 773.
Molecular consequence: frameshift variant.
Genome position (GRCh38, 1-based): chr1:210,683,934, T duplicated on the plus strand (A on the coding strand, the reverse complement: KCNH1 is on the minus strand). VCF-style (leftmost placement, unchanged base first): chr1-210683933-G-GT. GRCh37 (hg19) VCF-style: chr1-210857275-G-GT.
Other names: c.2236dup, p.Thr746fs (NM_002238.4); short protein forms T773fs, T746fs.
Identifiers: ClinVar variation 3648051 (VCV003648051.2).